The following is an entry in ClinVar:

ClinVar aggregate classification (germline): Uncertain significance (1 of 4 stars; one submission).

Allele frequency attached by ClinVar (database versions not stated): gnomAD exomes 0.00002; ExAC 0.00003; gnomAD 0.00003; TOPMed 0.00003; ESP Exome Variant Server 0.00008.
gnomAD v4.1: 28 of 1,613,490 alleles (0.0017%); highest among the groups gnomAD compares: African/African-American, 0.0067%; no homozygotes.

Submission:

Mayo Clinic Laboratories, Mayo Clinic
Classification: Uncertain significance. Last evaluated: 2022-09-06. Review status: criteria provided, single submitter. Criteria: ACMG Guidelines, 2015. Collection method: clinical testing. Allele origin: germline. Observed: 1 variant allele.
Comment: BP4, PM2_supporting

NM_001039141.3(TRIOBP):c.6599G>A (p.Arg2200Gln)

Gene: TRIOBP (TRIO and F-actin binding protein; plus strand). Cytogenetic location: 22q13.1.
Variant type: single nucleotide variant.
Coding change: c.6599G>A on transcript NM_001039141.3 (MANE Select); coding-DNA position 6599, G replaced by A.
Protein change: p.Arg2200Gln; replaces arginine 2200 with glutamine.
Molecular consequence: missense variant.
Genome position (GRCh38, 1-based): chr22:37,769,051, G>A. VCF-style: chr22-37769051-G-A. GRCh37 (hg19) VCF-style: chr22-38165058-G-A.
Other names: p.Arg2200Gln; c.1460G>A, p.Arg487Gln (NM_007032.5); short protein forms R2200Q, R487Q.
Identifiers: ClinVar variation 2683574 (VCV002683574.1), dbSNP rs375132932, ClinGen allele CA10225116.